The following is an entry in ClinVar:

ClinVar aggregate classification (germline): Uncertain significance (1 of 4 stars; one submission).

Allele frequency attached by ClinVar (database versions not stated): gnomAD exomes below 0.00001; TOPMed 0.00001.
gnomAD v4.1: 5 of 1,600,274 alleles (0.00031%); highest among the groups gnomAD compares: Non-Finnish European, 0.000085%; no homozygotes.

Submission:

Ambry Genetics
Classification: Uncertain significance. Last evaluated: 2024-12-02. Review status: criteria provided, single submitter. Criteria: Ambry Variant Classification Scheme 2023. Collection method: clinical testing. Allele origin: germline.
Comment: The p.A1468V variant (also known as c.4403C>T), located in coding exon 19 of the WNK2 gene, results from a C to T substitution at nucleotide position 4403. The alanine at codon 1468 is replaced by valine, an amino acid with similar properties. This amino acid position is conserved. In addition, this alteration is predicted to be tolerated by in silico analysis. Based on the available evidence, the clinical significance of this variant remains unclear.

NM_006648.4(WNK2):c.4403C>T (p.Ala1468Val)

Gene: WNK2 (WNK lysine deficient protein kinase 2; plus strand). Cytogenetic location: 9q22.31.
Variant type: single nucleotide variant.
Coding change: c.4403C>T on transcript NM_006648.4 (MANE Select); coding-DNA position 4403, C replaced by T.
Protein change: p.Ala1468Val; replaces alanine 1468 with valine.
Molecular consequence: missense variant.
Genome position (GRCh38, 1-based): chr9:93,289,157, C>T. VCF-style: chr9-93289157-C-T. GRCh37 (hg19) VCF-style: chr9-96051439-C-T.
Other names: c.4514C>T, p.Ala1505Val (NM_001282394.3); short protein forms A1505V, A1468V.
Identifiers: ClinVar variation 2259854 (VCV002259854.3), dbSNP rs1338197093, ClinGen allele CA374069438.